The following is an entry in ClinVar:

ClinVar aggregate classification (germline): Uncertain significance (1 of 4 stars; one submission).

Conditions:
CELSR1-related disorder. Also called: CELSR1-related condition.

gnomAD v4.1: 307 of 1,571,948 alleles (0.02%); highest among the groups gnomAD compares: Non-Finnish European, 0.026%; no homozygotes.

Submission:

PreventionGenetics, part of Exact Sciences
Classification: Uncertain significance for CELSR1-related condition. Last evaluated: 2025-01-02. Review status: criteria provided, single submitter. Criteria: ACMG Guidelines, 2015. Collection method: clinical testing. Allele origin: germline.
Comment: The CELSR1 c.7054C>T variant is predicted to result in the amino acid substitution p.Pro2352Ser. To our knowledge, this variant has not been reported in the literature. This variant is reported in 0.026% of alleles in individuals of European (Non-Finnish) descent in gnomAD. At this time, the clinical significance of this variant is uncertain due to the absence of conclusive functional and genetic evidence.

NM_001378328.1(CELSR1):c.7054C>T (p.Pro2352Ser)

Gene: CELSR1 (cadherin EGF LAG seven-pass G-type receptor 1; minus strand). Cytogenetic location: 22q13.31.
Variant type: single nucleotide variant.
Coding change: c.7054C>T on transcript NM_001378328.1 (MANE Select); coding-DNA position 7054, C replaced by T.
Protein change: p.Pro2352Ser; replaces proline 2352 with serine.
Molecular consequence: missense variant.
Genome position (GRCh38, 1-based): chr22:46,381,880, G>A on the plus strand (C>T on the coding strand, the complement: CELSR1 is on the minus strand). VCF-style: chr22-46381880-G-A. GRCh37 (hg19) VCF-style: chr22-46777777-G-A.
Other names: c.7054C>T, p.Pro2352Ser (NM_014246.4); short protein forms P2352S.
Identifiers: ClinVar variation 4979252 (VCV004979252.1).